The following is an entry in ClinVar:

ClinVar aggregate classification (germline): Conflicting classifications of pathogenicity. Review status: criteria provided, conflicting classifications (1 of 4 stars). 2 submissions from 2 submitters: Pathogenic (1); Uncertain significance (1). Last evaluated 2026-08-11.

Conditions:
Hereditary cancer-predisposing syndrome. Also called: Tumor predisposition; Hereditary Cancer Syndrome; Hereditary neoplastic syndrome; Neoplastic Syndromes, Hereditary. Identifiers: Orphanet 140162, MedGen C0027672, MeSH D009386, MONDO:0015356.

Allele frequency attached by ClinVar (database versions not stated): gnomAD exomes below 0.00001.

Submissions (2):

Ambry Genetics
Classification: Uncertain significance for Hereditary cancer-predisposing syndrome. Last evaluated: 2026-08-11. Review status: criteria provided, single submitter. Criteria: Ambry Variant Classification Scheme 2023. Collection method: clinical testing. Allele origin: germline.
Comment: The c.3550delA variant, located in coding exon 29 of the POLE gene, results from a deletion of one nucleotide at nucleotide position 3550, causing a translational frameshift with a predicted alternate stop codon (p.S1184Vfs*35). This alteration is expected to result in loss of function by premature protein truncation or nonsense-mediated mRNA decay. Although biallelic loss of function of POLE has been associated with autosomal recessive POLE deficiency, haploinsufficiency of POLE has not been established as a mechanism of disease for POLE-related polymerase proofreading-associated polyposis (PPAP) and POLE-related CMMRD-like syndrome. Based on the supporting evidence, this variant is expected to be causative of POLE deficiency when present along with a second pathogenic variant on the other allele; however, its clinical significance for PPAP and POLE-related CMMRD-like syndrome is unclear.

Labcorp Genetics (formerly Invitae), Labcorp
Classification: Pathogenic. Last evaluated: 2025-04-23. Review status: criteria provided, single submitter. Criteria: Invitae Variant Classification Sherloc (09022015). Collection method: clinical testing. Allele origin: germline.
Comment: This sequence change creates a premature translational stop signal (p.Ser1184Valfs*35) in the POLE gene. It is expected to result in an absent or disrupted protein product. Loss-of-function variants in POLE are known to be pathogenic (PMID: 23230001, 25948378, 30503519). This variant is not present in population databases (gnomAD no frequency). This variant has not been reported in the literature in individuals affected with POLE-related conditions. ClinVar contains an entry for this variant (Variation ID: 2152168). For these reasons, this variant has been classified as Pathogenic.

Literature cited by the submitters: PubMed 23230001 (cited by Labcorp Genetics (formerly Invitae), Labcorp); PubMed 25948378 (cited by Labcorp Genetics (formerly Invitae), Labcorp); PubMed 30503519 (cited by Labcorp Genetics (formerly Invitae), Labcorp).

NM_006231.4(POLE):c.3550del (p.Ser1184fs)

Gene: POLE (DNA polymerase epsilon, catalytic subunit; minus strand). Cytogenetic location: 12q24.33.
Variant type: Deletion.
Coding change: c.3550del on transcript NM_006231.4 (MANE Select); coding-DNA position 3550, one base deleted (A; older notation c.3550delA).
Protein change: p.Ser1184fs; shifts the reading frame from serine 1184.
Molecular consequence: frameshift variant.
Genome position (GRCh38, 1-based): chr12:132,657,168, T deleted on the plus strand (A on the coding strand, the reverse complement: POLE is on the minus strand). VCF-style (leftmost placement, unchanged base first): chr12-132657167-CT-C. GRCh37 (hg19) VCF-style: chr12-133233753-CT-C.
Other names: c.3550delA (NM_006231.2); short protein forms S1184fs.
Identifiers: ClinVar variation 2152168 (VCV002152168.5), dbSNP rs2541998509, ClinGen allele CA2575358765.